The following is an entry in ClinVar:

ClinVar aggregate classification (germline): Benign. Review status: criteria provided, single submitter (1 of 4 stars). 2 submissions from 2 submitters: Benign (1). 1 of the submissions does not count toward it. Last evaluated 2024-10-13.

Conditions:
SLC19A1-related disorder. Also called: SLC19A1-related condition.

Allele frequency attached by ClinVar (database versions not stated): gnomAD 0.00015 and 0.00011; TOPMed 0.00022; 1000 Genomes Project 0.00040; ExAC 0.00041; gnomAD exomes 0.00047; 1000 Genomes Project 30x 0.00031.
gnomAD v4.1: 192 of 1,612,754 alleles (0.012%); highest among the groups gnomAD compares: East Asian, 0.35%; no homozygotes.

Submissions (2):

Labcorp Genetics (formerly Invitae), Labcorp
Classification: Benign. Last evaluated: 2024-10-13. Review status: criteria provided, single submitter. Criteria: Invitae Variant Classification Sherloc (09022015). Collection method: clinical testing. Allele origin: germline.

PreventionGenetics, part of Exact Sciences
Classification: Likely benign for SLC19A1-related condition. Last evaluated: 2019-10-23. Review status: no assertion criteria provided. Collection method: clinical testing. Allele origin: germline. Not counted in ClinVar's aggregate classification.
Comment: This variant is classified as likely benign based on ACMG/AMP sequence variant interpretation guidelines (Richards et al. 2015 PMID: 25741868, with internal and published modifications).

NM_194255.4(SLC19A1):c.837C>T (p.Ala279=)

Gene: SLC19A1 (solute carrier family 19 member 1; minus strand). Cytogenetic location: 21q22.3.
Variant type: single nucleotide variant.
Coding change: c.837C>T on transcript NM_194255.4 (MANE Select); coding-DNA position 837, C replaced by T.
Protein change: p.Ala279=; no amino-acid change (alanine 279 retained).
Molecular consequence: synonymous variant.
Genome position (GRCh38, 1-based): chr21:45,531,501, G>A on the plus strand (C>T on the coding strand, the complement: SLC19A1 is on the minus strand). VCF-style: chr21-45531501-G-A. GRCh37 (hg19) VCF-style: chr21-46951415-G-A.
Other names: c.837C>T (NM_194255.2); c.837C>T, p.Ala279= (NM_001205206.4, NM_001352511.3, NM_001352512.2); c.717C>T, p.Ala239= (NM_001205207.3); c.483C>T, p.Ala161= (NM_001352510.2).
Identifiers: ClinVar variation 1670438 (VCV001670438.10), dbSNP rs577753141, ClinGen allele CA10068517.
Genomic context (GRCh38, chr21:45,531,501, plus strand): 5'-GGTGGTGGGGTCCACCTCGTTCCACAGGATGTGCACGTAGTAGACCACCAGGTAGTAGCC[G>A]GCCGAGTTGAAGACCCACCAGAGGGACCACAGGCGCAGCTGCGGCCGCCGCAGGCTGTCC-3'
Protein context (NP_919231.1, residues 269-289): LWSLWWVFNS[Ala279=]GYYLVVYYVH